The following is an entry in ClinVar:

NM_001365276.2(TNXB):c.2542G>C (p.Val848Leu)

Gene: TNXB (tenascin XB; minus strand). Cytogenetic location: 6p21.33.
Variant type: single nucleotide variant.
Coding change: c.2542G>C on transcript NM_001365276.2 (MANE Select); coding-DNA position 2542, G replaced by C.
Protein change: p.Val848Leu; replaces valine 848 with leucine.
Molecular consequence: missense variant.
Genome position (GRCh38, 1-based): chr6:32,089,022, C>G on the plus strand (G>C on the coding strand, the complement: TNXB is on the minus strand). VCF-style: chr6-32089022-C-G. GRCh37 (hg19) VCF-style: chr6-32056799-C-G.
Other names: c.2542G>C, p.Val848Leu (NM_019105.8); short protein forms V848L.
Identifiers: ClinVar variation 3327936 (VCV003327936.2).

ClinVar aggregate classification (germline): Uncertain significance. Review status: criteria provided, multiple submitters, no conflicts (2 of 4 stars). 2 submissions from 2 submitters: Uncertain significance (2). Last evaluated 2024-06-21.

Conditions:
Cardiovascular phenotype. Identifiers: MedGen CN230736.

Submissions (2):

Ambry Genetics
Classification: Uncertain significance for Cardiovascular phenotype. Last evaluated: 2024-06-21. Review status: criteria provided, single submitter. Criteria: Ambry Variant Classification Scheme 2023. Collection method: clinical testing. Allele origin: germline.
Comment: The p.V848L variant (also known as c.2542G>C), located in coding exon 5 of the TNXB gene, results from a G to C substitution at nucleotide position 2542. The valine at codon 848 is replaced by leucine, an amino acid with highly similar properties. This amino acid position is conserved. In addition, this alteration is predicted to be tolerated by in silico analysis. Based on the available evidence, the clinical significance of this variant remains unclear.

GeneDx
Classification: Uncertain significance. Last evaluated: 2024-02-27. Review status: criteria provided, single submitter. Criteria: GeneDx Variant Classification Process June 2021. Collection method: clinical testing. Allele origin: germline. Affected: yes.
Comment: Has not been previously published as pathogenic or benign to our knowledge; Not observed at significant frequency in large population cohorts (gnomAD); In silico analysis supports that this missense variant does not alter protein structure/function